The following is an entry in ClinVar:

ClinVar aggregate classification (germline): Benign. Review status: criteria provided, multiple submitters, no conflicts (2 of 4 stars). 2 submissions from 2 submitters: Benign (2). Last evaluated 2018-06-14.

Allele frequency attached by ClinVar (database versions not stated): gnomAD 0.59784 and 0.60036; TOPMed 0.61449; 1000 Genomes Project 0.67692; 1000 Genomes Project 30x 0.68410.
gnomAD v4.1: 90,923 of 152,204 alleles (60%); highest among the groups gnomAD compares: African/African-American, 89%; 29,918 homozygotes.

Submissions (2):

GeneDx
Classification: Benign. Last evaluated: 2018-06-14. Review status: criteria provided, single submitter. Criteria: GeneDx Variant Classification (06012015). Collection method: clinical testing. Allele origin: germline. Affected: yes.
Comment: This variant is considered likely benign or benign based on one or more of the following criteria: it is a conservative change, it occurs at a poorly conserved position in the protein, it is predicted to be benign by multiple in silico algorithms, and/or has population frequency not consistent with disease.

Breakthrough Genomics
Classification: Benign. Review status: criteria provided, single submitter. Criteria: ACMG Guidelines, 2015. Collection method: not provided. Allele origin: germline. Inheritance: Autosomal recessive inheritance. Affected: yes.

NM_014317.5(PDSS1):c.1027-212A>G

Gene: PDSS1 (decaprenyl diphosphate synthase subunit 1; plus strand). Cytogenetic location: 10p12.1.
Variant type: single nucleotide variant.
Coding change: c.1027-212A>G on transcript NM_014317.5 (MANE Select); 212 bases into the intron before coding-DNA position 1027, A replaced by G.
Molecular consequence: intron variant.
Genome position (GRCh38, 1-based): chr10:26,742,285, A>G. VCF-style: chr10-26742285-A-G. GRCh37 (hg19) VCF-style: chr10-27031214-A-G.
Other names: c.517-212A>G (NM_001321979.2); c.836-212A>G (NM_001321978.2).
Identifiers: ClinVar variation 683450 (VCV000683450.2), dbSNP rs10764638, ClinGen allele CA15631987.